The following is an entry in ClinVar:

ClinVar aggregate classification (germline): Benign/Likely benign. Review status: criteria provided, multiple submitters, no conflicts (2 of 4 stars). 4 submissions from 4 submitters: Benign (1); Likely benign (3). Last evaluated 2026-01-28.

Conditions:
Sucrase-isomaltase deficiency (CSID). Also called: Congenital sucrose isomaltose malabsorption; Sucrose isomaltose enzyme deficiency; Deficiency of isomaltase; SI DEFICIENCY. Identifiers: Orphanet 35122, MedGen C1283620, MONDO:0009114, OMIM 222900.

Allele frequency attached by ClinVar (database versions not stated): gnomAD exomes 0.00105 and 0.00279; ExAC 0.00355; gnomAD 0.01139 and 0.01197; TOPMed 0.01207; ESP Exome Variant Server 0.01246; 1000 Genomes Project 30x 0.01499; 1000 Genomes Project 0.01637.
gnomAD v4.1: 3,381 of 1,611,914 alleles (0.21%); highest among the groups gnomAD compares: African/African-American, 3.8%; 65 homozygotes.

Submissions (4):

Labcorp Genetics (formerly Invitae), Labcorp
Classification: Benign. Last evaluated: 2026-01-28. Review status: criteria provided, single submitter. Criteria: Invitae Variant Classification Sherloc (09022015). Collection method: clinical testing. Allele origin: germline.

Illumina Laboratory Services, Illumina
Classification: Likely benign for Sucrase-isomaltase deficiency. Last evaluated: 2018-01-13. Review status: criteria provided, single submitter. Criteria: ICSL Variant Classification Criteria 13 December 2019. Collection method: clinical testing. Allele origin: germline.
Comment: This variant was observed in the ICSL laboratory as part of a predisposition screen in an ostensibly healthy population. It had not been previously curated by ICSL or reported in the Human Gene Mutation Database (HGMD: prior to June 1st, 2018), and was therefore a candidate for classification through an automated scoring system. Utilizing variant allele frequency, disease prevalence and penetrance estimates, and inheritance mode, an automated score was calculated to assess if this variant is too frequent to cause the disease. Based on the score and internal cut-off values, a variant classified as likely benign is not then subjected to further curation. The score for this variant resulted in a classification of likely benign for this disease.

Center for Pediatric Genomic Medicine, Children's Mercy Hospital and Clinics
Classification: Likely benign. Last evaluated: 2016-10-11. Review status: criteria provided, single submitter. Criteria: ACMG Guidelines, 2015. Collection method: clinical testing. Allele origin: germline.
ClinVar note: Converted during submission from Likely Benign to Likely benign.

Breakthrough Genomics
Classification: Likely benign. Review status: criteria provided, single submitter. Criteria: ACMG Guidelines, 2015. Collection method: not provided. Allele origin: germline. Inheritance: Autosomal recessive inheritance. Affected: yes.

NM_001041.4(SI):c.598A>G (p.Ser200Gly)

Gene: SI (sucrase-isomaltase; minus strand). Cytogenetic location: 3q26.1.
Variant type: single nucleotide variant.
Coding change: c.598A>G on transcript NM_001041.4 (MANE Select); coding-DNA position 598, A replaced by G.
Protein change: p.Ser200Gly; replaces serine 200 with glycine.
Molecular consequence: missense variant.
Genome position (GRCh38, 1-based): chr3:165,067,377, T>C on the plus strand (A>G on the coding strand, the complement: SI is on the minus strand). VCF-style: chr3-165067377-T-C. GRCh37 (hg19) VCF-style: chr3-164785165-T-C.
Other names: short protein forms S200G.
Identifiers: ClinVar variation 376957 (VCV000376957.18), dbSNP rs113903766, ClinGen allele CA2691427.
Genomic context (GRCh38, chr3:165,067,377, plus strand): 5'-TAATTGTAAAATAATACACTTACAAAGTTTTACCGTTGCTTTTCCTAATAACTTGGATGC[T>C]AAATGGGTTTTGGGCAACCTTCACATCATACAACGTATCAGAAACTGTGGGTCCAGTAAA-3'
Protein context (NP_001032.2, residues 190-210): YDVKVAQNPF[Ser200Gly]IQVIRKSNGK